The following is an entry in ClinVar:

ClinVar aggregate classification (germline): Benign (0 of 4 stars; one submission).

Conditions:
INPP5B-related disorder. Also called: INPP5B-related condition.

Allele frequency attached by ClinVar (database versions not stated): ExAC 0.00253; 1000 Genomes Project 0.00379; gnomAD 0.00396; 1000 Genomes Project 30x 0.00453; TOPMed 0.00458.
gnomAD v4.1: 2,569 of 1,535,854 alleles (0.17%); highest among the groups gnomAD compares: Middle Eastern, 1.5%; 13 homozygotes.

Submission:

PreventionGenetics, part of Exact Sciences
Classification: Benign for INPP5B-related condition. Last evaluated: 2024-06-13. Review status: no assertion criteria provided. Collection method: clinical testing. Allele origin: germline.
Comment: This variant is classified as benign based on ACMG/AMP sequence variant interpretation guidelines (Richards et al. 2015 PMID: 25741868, with internal and published modifications).

NM_005540.3(INPP5B):c.532+213G>T

Genes: INPP5B (inositol polyphosphate-5-phosphatase B; minus strand), LOC129930172 (ATAC-STARR-seq lymphoblastoid silent region 683; plus strand). Cytogenetic location: 1p34.3.
Variant type: single nucleotide variant.
Coding change: c.532+213G>T on transcript NM_005540.3 (MANE Select); 213 bases into the intron after coding-DNA position 532, G replaced by T.
Molecular consequence: intron variant. On other transcripts: missense variant (1), 5 prime UTR variant (1), non-coding transcript variant (1).
Genome position (GRCh38, 1-based): chr1:37,931,700, C>A on the plus strand (G>T on the coding strand, the complement: INPP5B is on the minus strand). VCF-style: chr1-37931700-C-A. GRCh37 (hg19) VCF-style: chr1-38397372-C-A.
Other names: c.13G>T, p.Ala5Ser (NM_001297434.2); c.-152G>T (NM_001350227.2); c.175+213G>T (NM_001365825.1); c.526+213G>T (NM_001365821.1); c.337+213G>T (NM_001365823.1, NM_001365824.1); c.466+213G>T (NM_001365822.1); c.532+213G>T (NM_001365820.1); c.-195+213G>T (NM_001350228.1); short protein forms A5S.
Identifiers: ClinVar variation 3055357 (VCV003055357.2), dbSNP rs371536609, ClinGen allele CA776189.